The following is an entry in ClinVar:

ClinVar aggregate classification (germline): Uncertain significance (1 of 4 stars; one submission).

Conditions:
Combined immunodeficiency due to LRBA deficiency. Also called: Common variable immunodeficiency 8, with autoimmunity. Identifiers: Orphanet 445018, MedGen C3553512, MONDO:0013863, OMIM 614700.

Submission:

Labcorp Genetics (formerly Invitae), Labcorp
Classification: Uncertain significance for Combined immunodeficiency due to LRBA deficiency. Last evaluated: 2021-04-21. Review status: criteria provided, single submitter. Criteria: Invitae Variant Classification Sherloc (09022015). Collection method: clinical testing. Allele origin: germline.
Comment: In summary, the available evidence is currently insufficient to determine the role of this variant in disease. Therefore, it has been classified as a Variant of Uncertain Significance. Algorithms developed to predict the effect of sequence changes on RNA splicing suggest that this variant may create or strengthen a splice site, but this prediction has not been confirmed by published transcriptional studies. Algorithms developed to predict the effect of missense changes on protein structure and function are either unavailable or do not agree on the potential impact of this missense change (SIFT: "Tolerated"; PolyPhen-2: "Probably Damaging"; Align-GVGD: "Class C0"). This variant has not been reported in the literature in individuals with LRBA-related conditions. This variant is not present in population databases (ExAC no frequency). This sequence change replaces alanine with valine at codon 2124 of the LRBA protein (p.Ala2124Val). The alanine residue is weakly conserved and there is a small physicochemical difference between alanine and valine.

NM_001364905.1(LRBA):c.6338C>T (p.Ala2113Val)

Gene: LRBA (LPS responsive beige-like anchor protein; minus strand). Cytogenetic location: 4q31.3.
Variant type: single nucleotide variant.
Coding change: c.6338C>T on transcript NM_001364905.1 (MANE Select); coding-DNA position 6338, C replaced by T.
Protein change: p.Ala2113Val; replaces alanine 2113 with valine.
Molecular consequence: missense variant.
Genome position (GRCh38, 1-based): chr4:150,491,028, G>A on the plus strand (C>T on the coding strand, the complement: LRBA is on the minus strand). VCF-style: chr4-150491028-G-A. GRCh37 (hg19) VCF-style: chr4-151412180-G-A.
Other names: c.6338C>T, p.Ala2113Val (NM_001199282.3, NM_001367550.1); c.6371C>T, p.Ala2124Val (NM_006726.5); short protein forms A2124V, A2113V.
Identifiers: ClinVar variation 1497953 (VCV001497953.8), dbSNP rs2152104048, ClinGen allele CA358607568.